The following is an entry in ClinVar:

ClinVar aggregate classification (germline): Benign/Likely benign. Review status: criteria provided, multiple submitters, no conflicts (2 of 4 stars). 3 submissions from 3 submitters: Benign (1); Likely benign (2). Last evaluated 2025-07-14.

Conditions:
Colorectal cancer, susceptibility to, 12 (CRCS12). Also called: COLORECTAL CANCER, SUSCEPTIBILITY TO, ON CHROMOSOME 12q24. Identifiers: Orphanet 220460, MedGen C3554460, MONDO:0014038, OMIM 615083.
Hereditary cancer-predisposing syndrome. Also called: Neoplastic Syndromes, Hereditary; Tumor predisposition; Hereditary Cancer Syndrome; Hereditary neoplastic syndrome. Identifiers: Orphanet 140162, MedGen C0027672, MeSH D009386, MONDO:0015356.

Submissions (3):

Ambry Genetics
Classification: Likely benign for Hereditary cancer-predisposing syndrome. Last evaluated: 2025-07-14. Review status: criteria provided, single submitter. Criteria: Ambry Variant Classification Scheme 2023. Collection method: clinical testing. Allele origin: germline.

Myriad Genetics, Inc.
Classification: Benign for Colorectal cancer, susceptibility to, 12. Last evaluated: 2025-02-11. Review status: criteria provided, single submitter. Criteria: Myriad Autosomal Dominant, Autosomal Recessive and X-Linked Classification Criteria (2023). Collection method: clinical testing. Allele origin: unknown.
Comment: This variant is considered benign. This variant is a silent/synonymous amino acid change and it is not expected to impact splicing.

Labcorp Genetics (formerly Invitae), Labcorp
Classification: Likely benign. Last evaluated: 2020-01-19. Review status: criteria provided, single submitter. Criteria: Invitae Variant Classification Sherloc (09022015). Collection method: clinical testing. Allele origin: germline.

NM_006231.4(POLE):c.1452T>C (p.Ile484=)

Gene: POLE (DNA polymerase epsilon, catalytic subunit; minus strand). Cytogenetic location: 12q24.33.
Variant type: single nucleotide variant.
Coding change: c.1452T>C on transcript NM_006231.4 (MANE Select); coding-DNA position 1452, T replaced by C.
Protein change: p.Ile484=; no amino-acid change (isoleucine 484 retained).
Molecular consequence: synonymous variant.
Genome position (GRCh38, 1-based): chr12:132,673,185, A>G on the plus strand (T>C on the coding strand, the complement: POLE is on the minus strand). VCF-style: chr12-132673185-A-G. GRCh37 (hg19) VCF-style: chr12-133249771-A-G.
Other names: c.1452T>C (NM_006231.2).
Identifiers: ClinVar variation 413571 (VCV000413571.11), dbSNP rs1060504063, ClinGen allele CA16613897.